The following is an entry in ClinVar:

NM_000059.4(BRCA2):c.369A>C (p.Lys123Asn)

Gene: BRCA2 (BRCA2 DNA repair associated; plus strand). Cytogenetic location: 13q13.1.
Variant type: single nucleotide variant.
Coding change: c.369A>C on transcript NM_000059.4 (MANE Select); coding-DNA position 369, A replaced by C.
Protein change: p.Lys123Asn; replaces lysine 123 with asparagine.
Molecular consequence: missense variant.
Genome position (GRCh38, 1-based): chr13:32,325,128, A>C. VCF-style: chr13-32325128-A-C. GRCh37 (hg19) VCF-style: chr13-32899265-A-C.
Other names: short protein forms K123N.
Identifiers: ClinVar variation 619805 (VCV000619805.22), dbSNP rs1566218165, ClinGen allele CA387756628.
Genomic context (GRCh38, chr13:32,325,128, plus strand): 5'-TGTTTCAGGAAGGAATGTTCCCAATAGTAGACATAAAAGTCTTCGCACAGTGAAAACTAA[A>C]ATGGATCAAGCAGATGATGTTTCCTGTCCACTTCTAAATTCTTGTCTTAGTGAAAGGTAT-3'
Protein context (NP_000050.3, residues 113-133): RHKSLRTVKT[Lys123Asn]MDQADDVSCP

ClinVar aggregate classification (germline): Conflicting classifications of pathogenicity. Review status: criteria provided, conflicting classifications (1 of 4 stars). 6 submissions from 6 submitters: Uncertain significance (4); Likely benign (1). 1 of the submissions does not count toward it. Last evaluated 2025-09-10.

Conditions:
Hereditary cancer-predisposing syndrome. Also called: Tumor predisposition; Neoplastic Syndromes, Hereditary; Hereditary Cancer Syndrome; Hereditary neoplastic syndrome. Identifiers: Orphanet 140162, MedGen C0027672, MeSH D009386, MONDO:0015356.
Hereditary breast ovarian cancer syndrome. Also called: Hereditary breast and ovarian cancer; Hereditary breast and ovarian cancer syndrome (HBOC); Hereditary breast and/or ovarian cancer syndrome; Hereditary breast and ovarian cancer syndrome; Breast and ovarian cancer; BRCA1- and BRCA2-Associated Hereditary Breast and Ovarian Cancer. Identifiers: Orphanet 145, MedGen C0677776, MeSH D061325, MONDO:0003582. Disease mechanism: loss of function.
Breast-ovarian cancer, familial, susceptibility to, 2 (BROVCA2). Also called: BRCA2 Hereditary Breast and Ovarian Cancer. Identifiers: Orphanet 145, MedGen C2675520, MONDO:0012933, OMIM 612555. Disease mechanism: loss of function.
BRCA2-related disorder. Also called: BRCA2-related condition; BRCA2-related disorders. Identifiers: MedGen CN239275.

Allele frequency attached by ClinVar (database versions not stated): TOPMed below 0.00001; gnomAD 0.00001.
gnomAD v4.1: 2 of 1,610,322 alleles (0.00012%); highest among the groups gnomAD compares: African/African-American, 0.0013%; no homozygotes.

Submissions (6):

Labcorp Genetics (formerly Invitae), Labcorp
Classification: Uncertain significance for Hereditary breast ovarian cancer syndrome. Last evaluated: 2025-09-10. Review status: criteria provided, single submitter. Criteria: Invitae Variant Classification Sherloc (09022015). Collection method: clinical testing. Allele origin: germline.
Comment: This sequence change replaces lysine, which is basic and polar, with asparagine, which is neutral and polar, at codon 123 of the BRCA2 protein (p.Lys123Asn). This variant is not present in population databases (gnomAD no frequency). This variant has not been reported in the literature in individuals affected with BRCA2-related conditions. ClinVar contains an entry for this variant (Variation ID: 619805). Invitae Evidence Modeling of protein sequence and biophysical properties (such as structural, functional, and spatial information, amino acid conservation, physicochemical variation, residue mobility, and thermodynamic stability) indicates that this missense variant is not expected to disrupt BRCA2 protein function with a negative predictive value of 95%. In summary, the available evidence is currently insufficient to determine the role of this variant in disease. Therefore, it has been classified as a Variant of Uncertain Significance.

Myriad Genetics, Inc.
Classification: Likely benign for Breast-ovarian cancer, familial, susceptibility to, 2. Last evaluated: 2024-10-10. Review status: criteria provided, single submitter. Criteria: Myriad Autosomal Dominant, Autosomal Recessive and X-Linked Classification Criteria (2023). Collection method: clinical testing. Allele origin: unknown.
Comment: This variant is considered likely benign. This variant is strongly associated with less severe personal and family histories of cancer, typical for individuals without pathogenic variants in this gene [PMID: 25085752].

Ambry Genetics
Classification: Uncertain significance for Hereditary cancer-predisposing syndrome. Last evaluated: 2023-11-04. Review status: criteria provided, single submitter. Criteria: Ambry Variant Classification Scheme 2023. Collection method: clinical testing. Allele origin: germline.
Comment: The p.K123N variant (also known as c.369A>C), located in coding exon 3 of the BRCA2 gene, results from an A to C substitution at nucleotide position 369. The lysine at codon 123 is replaced by asparagine, an amino acid with similar properties. This amino acid position is not well conserved in available vertebrate species. In addition, this alteration is predicted to be tolerated by in silico analysis. Since supporting evidence is limited at this time, the clinical significance of this alteration remains unclear.

Color Diagnostics, LLC DBA Color Health
Classification: Uncertain significance for Hereditary cancer-predisposing syndrome. Last evaluated: 2019-08-08. Review status: criteria provided, single submitter. Criteria: ACMG Guidelines, 2015. Collection method: clinical testing. Allele origin: germline.
Comment: This missense variant replaces lysine with asparagine at codon 123 of the BRCA2 protein. Computational prediction tools and conservation analyses are inconclusive regarding the impact of this variant on the protein function. Computational splicing tools suggest that this variant may not impact RNA splicing. To our knowledge, functional assays have not been performed for this variant nor has this variant been reported in individuals affected with hereditary cancer in the literature. This variant has not been identified in the general population by the Genome Aggregation Database (gnomAD). Available evidence is insufficient to determine the role of this variant in disease conclusively. Therefore, this variant is classified as a Variant of Uncertain Significance.

Quest Diagnostics Nichols Institute San Juan Capistrano
Classification: Uncertain significance. Last evaluated: 2018-02-23. Review status: criteria provided, single submitter. Criteria: Quest Diagnostics criteria. Collection method: clinical testing. Allele origin: germline.

PreventionGenetics, part of Exact Sciences
Classification: Uncertain significance for BRCA2-related condition. Last evaluated: 2023-12-29. Review status: no assertion criteria provided. Collection method: clinical testing. Allele origin: germline. Not counted in ClinVar's aggregate classification.
Comment: The BRCA2 c.369A>C variant is predicted to result in the amino acid substitution p.Lys123Asn. To our knowledge, this variant has not been reported in the literature or in a large population database and is reported as uncertain in ClinVar. At this time, the clinical significance of this variant is uncertain due to the absence of conclusive functional and genetic evidence.

Literature cited by the submitters: PubMed 25085752 (cited by Myriad Genetics, Inc.).